The following is an entry in ClinVar:

NM_001166108.2(PALLD):c.2965G>C (p.Glu989Gln)

Genes: CBR4 (carbonyl reductase 4; minus strand), PALLD (palladin, cytoskeletal associated protein; plus strand). Cytogenetic location: 4q32.3.
Variant type: single nucleotide variant.
Coding change: c.2965G>C on transcript NM_001166108.2 (MANE Select); coding-DNA position 2965, G replaced by C.
Protein change: p.Glu989Gln; replaces glutamic acid 989 with glutamine.
Molecular consequence: missense variant.
Genome position (GRCh38, 1-based): chr4:168,921,648, G>C. VCF-style: chr4-168921648-G-C. GRCh37 (hg19) VCF-style: chr4-169842799-G-C.
Other names: c.1768G>C, p.Glu590Gln (NM_001166109.2); c.1453G>C, p.Glu485Gln (NM_001166110.2); c.793G>C, p.Glu265Gln (NM_001367567.1, NM_001367569.1); c.844G>C, p.Glu282Gln (NM_001367568.1, NM_001367570.1); c.2914G>C, p.Glu972Gln (NM_016081.4); short protein forms E282Q, E485Q, E265Q, E972Q, E590Q, E989Q.
Identifiers: ClinVar variation 3927561 (VCV003927561.1).

ClinVar aggregate classification (germline): Uncertain significance (1 of 4 stars; one submission).

gnomAD v4.1: 1 of 1,610,452 alleles (0.000062%); no homozygotes.

Submission:

Ambry Genetics
Classification: Uncertain significance. Last evaluated: 2025-05-29. Review status: criteria provided, single submitter. Criteria: Ambry Variant Classification Scheme 2023. Collection method: clinical testing. Allele origin: germline.
Comment: The p.E485Q variant (also known as c.1453G>C), located in coding exon 8 of the PALLD gene, results from a G to C substitution at nucleotide position 1453. The glutamic acid at codon 485 is replaced by glutamine, an amino acid with highly similar properties. This amino acid position is conserved. In addition, the in silico prediction for this alteration is inconclusive. Based on the available evidence, the clinical significance of this variant remains unclear.